The following is an entry in ClinVar:

NM_206933.4(USH2A):c.8027C>T (p.Pro2676Leu)

Gene: USH2A (usherin; minus strand). Cytogenetic location: 1q41.
Variant type: single nucleotide variant.
Coding change: c.8027C>T on transcript NM_206933.4 (MANE Select); coding-DNA position 8027, C replaced by T.
Protein change: p.Pro2676Leu; replaces proline 2676 with leucine.
Molecular consequence: missense variant.
Genome position (GRCh38, 1-based): chr1:215,888,622, G>A on the plus strand (C>T on the coding strand, the complement: USH2A is on the minus strand). VCF-style: chr1-215888622-G-A. GRCh37 (hg19) VCF-style: chr1-216061964-G-A.
Other names: short protein forms P2676L.
Identifiers: ClinVar variation 1436794 (VCV001436794.3), dbSNP rs754100765, ClinGen allele CA1394700.

ClinVar aggregate classification (germline): Uncertain significance (1 of 4 stars; one submission).

Allele frequency attached by ClinVar (database versions not stated): TOPMed below 0.00001; ExAC 0.00001; gnomAD 0.00001; gnomAD exomes below 0.00001.
gnomAD v4.1: 7 of 1,613,984 alleles (0.00043%); highest among the groups gnomAD compares: Middle Eastern, 0.016%; no homozygotes.

Submission:

Labcorp Genetics (formerly Invitae), Labcorp
Classification: Uncertain significance. Last evaluated: 2021-09-26. Review status: criteria provided, single submitter. Criteria: Invitae Variant Classification Sherloc (09022015). Collection method: clinical testing. Allele origin: germline.
Comment: This sequence change replaces proline with leucine at codon 2676 of the USH2A protein (p.Pro2676Leu). The proline residue is highly conserved and there is a moderate physicochemical difference between proline and leucine. The frequency data for this variant in the population databases is considered unreliable, as metrics indicate poor data quality at this position in the ExAC database. This missense change has been observed in individual(s) with retinitis pigmentosa (Invitae). Algorithms developed to predict the effect of missense changes on protein structure and function are either unavailable or do not agree on the potential impact of this missense change (SIFT: "Deleterious"; PolyPhen-2: "Benign"; Align-GVGD: "Class C35"). In summary, the available evidence is currently insufficient to determine the role of this variant in disease. Therefore, it has been classified as a Variant of Uncertain Significance.